The following is an entry in ClinVar:

ClinVar aggregate classification (germline): Uncertain significance (1 of 4 stars; one submission).

Allele frequency attached by ClinVar (database versions not stated): TOPMed below 0.00001; gnomAD exomes 0.00001.
gnomAD v4.1: 10 of 1,211,087 alleles (0.00083%); highest among the groups gnomAD compares: Non-Finnish European, 0.00022%; no homozygotes.

Submission:

Labcorp Genetics (formerly Invitae), Labcorp
Classification: Uncertain significance. Last evaluated: 2023-02-03. Review status: criteria provided, single submitter. Criteria: Invitae Variant Classification Sherloc (09022015). Collection method: clinical testing. Allele origin: germline.
Comment: This variant has not been reported in the literature in individuals affected with FRMD7-related conditions. In summary, the available evidence is currently insufficient to determine the role of this variant in disease. Therefore, it has been classified as a Variant of Uncertain Significance. Algorithms developed to predict the effect of missense changes on protein structure and function (SIFT, PolyPhen-2, Align-GVGD) all suggest that this variant is likely to be tolerated. ClinVar contains an entry for this variant (Variation ID: 971671). This variant is present in population databases (no rsID available, gnomAD 0.04%), including at least one homozygous and/or hemizygous individual. This sequence change replaces phenylalanine, which is neutral and non-polar, with valine, which is neutral and non-polar, at codon 423 of the FRMD7 protein (p.Phe423Val).

NM_194277.3(FRMD7):c.1267T>G (p.Phe423Val)

Gene: FRMD7 (FERM domain containing 7; minus strand). Cytogenetic location: Xq26.2.
Variant type: single nucleotide variant.
Coding change: c.1267T>G on transcript NM_194277.3 (MANE Select); coding-DNA position 1267, T replaced by G.
Protein change: p.Phe423Val; replaces phenylalanine 423 with valine.
Molecular consequence: missense variant.
Genome position (GRCh38, 1-based): chrX:132,078,750, A>C on the plus strand (T>G on the coding strand, the complement: FRMD7 is on the minus strand). VCF-style: chrX-132078750-A-C. GRCh37 (hg19) VCF-style: chrX-131212778-A-C.
Other names: c.1222T>G, p.Phe408Val (NM_001306193.2); short protein forms F408V, F423V.
Identifiers: ClinVar variation 971671 (VCV000971671.10), dbSNP rs925472063, ClinGen allele CA335857495.